The following is an entry in ClinVar:

ClinVar aggregate classification (germline): Pathogenic/Likely pathogenic. Review status: criteria provided, multiple submitters, no conflicts (2 of 4 stars). 4 submissions from 4 submitters: Pathogenic (2); Likely pathogenic (1). 1 of the submissions does not count toward it. Last evaluated 2025-10-01.

Conditions:
PROM1-related disorder. Also called: PROM1-related condition; PROM1-related disorders.
Retinal dystrophy. Also called: Inherited retinal dystrophy. Identifiers: Orphanet 71862, MedGen C0854723, MeSH D058499, MONDO:0019118, HP:0000556.

Submissions (4):

Dasa
Classification: Pathogenic. Last evaluated: 2025-10-01. Review status: criteria provided, single submitter. Criteria: DASA Assertion Criteria. Collection method: clinical testing. Allele origin: germline.
Comment: NM_006017.3(PROM1):c.1697del (p.Asn566Ilefs*29) introduces a premature termination codon predicted to result in loss of normal protein function. Loss-of-function is an established mechanism of disease for this gene. This variant has been reported in an affected individual with related phenotype in a genotype context consistent with recessive disease (PMID: 27208204). The variant is present at low frequency in population datasets. Based on the available data, this variant is classified as pathogenic.

Blueprint Genetics
Classification: Likely pathogenic for PROM1-related disorders. Last evaluated: 2022-05-13. Review status: criteria provided, single submitter. Criteria: ACMG Guidelines, 2015. Collection method: clinical testing. Allele origin: germline. Affected: yes. Observed: 4 variant alleles.

Institute of Human Genetics, Univ. Regensburg, Univ. Regensburg
Classification: Pathogenic for Retinal dystrophy. Last evaluated: 2019-01-01. Review status: criteria provided, single submitter. Criteria: ACMG Guidelines, 2015. Collection method: clinical testing. Allele origin: germline. Affected: yes.

Centre for Genomic Medicine, Manchester, Central Manchester University Hospitals
Classification: Likely pathogenic for Retinal dystrophy. Review status: no assertion criteria provided. Collection method: clinical testing. Allele origin: germline. Affected: yes. Not counted in ClinVar's aggregate classification.

Literature cited by the submitters: PubMed 27208204 (cited by Dasa and Institute of Human Genetics, Univ. Regensburg, Univ. Regensburg); PubMed 3253185 (cited by Institute of Human Genetics, Univ. Regensburg, Univ. Regensburg).

NM_006017.3(PROM1):c.1697del (p.Asn566fs)

Gene: PROM1 (prominin 1; minus strand). Cytogenetic location: 4p15.32.
Variant type: Deletion.
Coding change: c.1697del on transcript NM_006017.3 (MANE Select); coding-DNA position 1697, one base deleted (A; older notation c.1697delA).
Protein change: p.Asn566fs; shifts the reading frame from asparagine 566.
Molecular consequence: frameshift variant.
Genome position (GRCh38, 1-based): chr4:15,994,057, T deleted on the plus strand (A on the coding strand, the reverse complement: PROM1 is on the minus strand); the first of 8 consecutive T bases (chr4:15,994,057-15,994,064); deleting any one gives the same sequence. VCF-style (leftmost placement, unchanged base first): chr4-15994056-AT-A. GRCh37 (hg19) VCF-style: chr4-15995679-AT-A.
Other names: c.1697delA (NM_006017.2); c.1670del, p.Asn557fs (NM_001145847.2, NM_001145848.2, NM_001145851.2 and 4 more transcripts); c.1697del, p.Asn566fs (NM_001145849.2, NM_001145850.2); short protein forms N557fs, N566fs.
Identifiers: ClinVar variation 236525 (VCV000236525.4), dbSNP rs762078182, ClinGen allele CA2866669.